The following is an entry in ClinVar:

ClinVar aggregate classification (germline): Benign (0 of 4 stars; one submission).

Conditions:
KIAA0319-related disorder. Also called: KIAA0319-related condition.

Allele frequency attached by ClinVar (database versions not stated): ExAC 0.23018; gnomAD exomes 0.23180; 1000 Genomes Project 0.27915; 1000 Genomes Project 30x 0.28701; gnomAD 0.29502; TOPMed 0.29908; ESP Exome Variant Server 0.30701.
gnomAD v4.1: 381,166 of 1,602,474 alleles (24%); highest among the groups gnomAD compares: African/African-American, 50%; 49,458 homozygotes.

Submission:

PreventionGenetics, part of Exact Sciences
Classification: Benign for KIAA0319-related condition. Last evaluated: 2019-10-17. Review status: no assertion criteria provided. Collection method: clinical testing. Allele origin: germline.
Comment: This variant is classified as benign based on ACMG/AMP sequence variant interpretation guidelines (Richards et al. 2015 PMID: 25741868, with internal and published modifications).

NM_014809.4(KIAA0319):c.2948+7A>G

Gene: KIAA0319 (KIAA0319; minus strand). Cytogenetic location: 6p22.3.
Variant type: single nucleotide variant.
Coding change: c.2948+7A>G on transcript NM_014809.4 (MANE Select); 7 bases into the intron after coding-DNA position 2948, A replaced by G.
Molecular consequence: intron variant.
Genome position (GRCh38, 1-based): chr6:24,554,534, T>C on the plus strand (A>G on the coding strand, the complement: KIAA0319 is on the minus strand). VCF-style: chr6-24554534-T-C. GRCh37 (hg19) VCF-style: chr6-24554762-T-C.
Other names: c.2813+7A>G (NM_001350406.2, NM_001168376.2); c.2492+7A>G (NM_001350409.2, NM_001350410.2); c.2857+2073A>G (NM_001350407.2, NM_001168377.2, NM_001350408.2); c.2948+7A>G (NM_001350403.2, NM_001168375.2); c.2930+7A>G (NM_001350404.2); c.2921+7A>G (NM_001168374.2); c.2849+7A>G (NM_001350405.2); c.1181+7A>G (NM_001252328.2).
Identifiers: ClinVar variation 3060264 (VCV003060264.2), dbSNP rs2243831, ClinGen allele CA3657060.